The following is an entry in ClinVar:

ClinVar aggregate classification (germline): Uncertain significance (1 of 4 stars; one submission).

Allele frequency attached by ClinVar (database versions not stated): gnomAD 0.00001; TOPMed 0.00002.

Submission:

Labcorp Genetics (formerly Invitae), Labcorp
Classification: Uncertain significance. Last evaluated: 2022-06-27. Review status: criteria provided, single submitter. Criteria: Invitae Variant Classification Sherloc (09022015). Collection method: clinical testing. Allele origin: germline.
Comment: This variant has not been reported in the literature in individuals affected with TYROBP-related conditions. In summary, the available evidence is currently insufficient to determine the role of this variant in disease. Therefore, it has been classified as a Variant of Uncertain Significance. Variants that disrupt the consensus splice site are a relatively common cause of aberrant splicing (PMID: 17576681, 9536098). Algorithms developed to predict the effect of sequence changes on RNA splicing suggest that this variant may create or strengthen a splice site. This variant is not present in population databases (gnomAD no frequency). This sequence change falls in intron 2 of the TYROBP gene. It does not directly change the encoded amino acid sequence of the TYROBP protein. It affects a nucleotide within the consensus splice site.

Literature cited by the submitters: PubMed 17576681; PubMed 9536098.

NM_003332.4(TYROBP):c.94+6C>T

Gene: TYROBP (transmembrane immune signaling adaptor TYROBP; minus strand). Cytogenetic location: 19q13.12.
Variant type: single nucleotide variant.
Coding change: c.94+6C>T on transcript NM_003332.4 (MANE Select); 6 bases into the intron after coding-DNA position 94, C replaced by T.
Molecular consequence: intron variant.
Genome position (GRCh38, 1-based): chr19:35,907,724, G>A on the plus strand (C>T on the coding strand, the complement: TYROBP is on the minus strand). VCF-style: chr19-35907724-G-A. GRCh37 (hg19) VCF-style: chr19-36398626-G-A.
Other names: c.62-144C>T (NM_001173515.2, NM_001173514.2); c.94+6C>T (NM_198125.3).
Identifiers: ClinVar variation 1446782 (VCV001446782.6), dbSNP rs1228531929, ClinGen allele CA881830573.